The following is an entry in ClinVar:

ClinVar aggregate classification (germline): Uncertain significance. Review status: criteria provided, multiple submitters, no conflicts (2 of 4 stars). 2 submissions from 2 submitters: Uncertain significance (2). Last evaluated 2026-03-10.

Conditions:
Ischemic stroke. Also called: CEREBROVASCULAR ACCIDENT; Ischemic stroke, susceptibility to. Identifiers: MedGen C0948008, MONDO:1060198, OMIM 601367, HP:0002140.
Congenital factor V deficiency. Also called: PARAHEMOPHILIA; LABILE FACTOR DEFICIENCY; OWREN PARAHEMOPHILIA; Hereditary factor V deficiency disease. Identifiers: Orphanet 326, MedGen C0015499, MONDO:0009210, OMIM 227400.
Thrombophilia due to activated protein C resistance (THPH2). Also called: Hereditary Resistance to Activated Protein C; PCCF DEFICIENCY; PROC COFACTOR DEFICIENCY; THROMBOPHILIA DUE TO DEFICIENCY OF ACTIVATED PROTEIN C COFACTOR; THROMBOPHILIA V; Activated protein C resistance. Identifiers: MedGen C1861171, MONDO:0008560, OMIM 188055. Disease mechanism: loss of function, gain of function.
Budd-Chiari syndrome (BDCHS). Also called: Hepatic vein obstruction. Identifiers: Orphanet 131, MedGen C0856761, MONDO:0010947, OMIM 600880, HP:0002639.
Pregnancy loss, recurrent, susceptibility to, 1 (RPRGL1). Also called: EMBRYONIC LOSS, RECURRENT; MISCARRIAGE, RECURRENT; STILLBIRTH, RECURRENT; FETAL LOSS, RECURRENT, SUSCEPTIBILITY TO. Identifiers: MedGen C3280670, MONDO:0013727, OMIM 614389.

Allele frequency attached by ClinVar (database versions not stated): gnomAD 0.00003; TOPMed 0.00005 and 0.00008; ExAC 0.00006; gnomAD exomes 0.00007.
gnomAD v4.1: 41 of 1,613,298 alleles (0.0025%); highest among the groups gnomAD compares: East Asian, 0.065%; no homozygotes.

Submissions (2):

Women's Health and Genetics/Laboratory Corporation of America, LabCorp
Classification: Uncertain significance. Last evaluated: 2026-03-10. Review status: criteria provided, single submitter. Criteria: LabCorp Variant Classification Summary - May 2015. Collection method: clinical testing. Allele origin: germline.
Comment: Variant summary: F5 c.4949C>T (p.Ala1650Val) results in a non-conservative amino acid change in the encoded protein sequence. Algorithms developed to predict the effect of missense changes on protein structure and function all suggest that this variant is likely to be disruptive. The variant allele was found at a frequency of 7.2e-05 in 251012 control chromosomes (gnomAD). This frequency is not significantly higher than estimated for disease-causing variants in F5, allowing no conclusion about variant significance. c.4949C>T has been observed in individuals affected with Thrombophilia, factor V Leiden (Wei_2022, Chen_2023, Zhuang_2025). These reports do not provide unequivocal conclusions about association of the variant with Thrombophilia, factor V Leiden. To our knowledge, no experimental evidence demonstrating an impact on protein function has been reported. The following publications have been ascertained in the context of this evaluation (PMID: 37307703, 34387626, 40598400). No submitters have cited clinical-significance assessments for this variant to ClinVar. Based on the evidence outlined above, the variant was classified as uncertain significance.

Juno Genomics, Hangzhou Juno Genomics, Inc
Classification: Uncertain significance for Budd-Chiari syndrome; Pregnancy loss, recurrent, susceptibility to, 1; Ischemic stroke; Thrombophilia due to activated protein C resistance; Congenital factor V deficiency. Review status: criteria provided, single submitter. Criteria: ACMG Guidelines, 2015. Collection method: clinical testing. Allele origin: germline.
Comment: Absent from controls (or at extremely low frequency if recessive) in Genome Aggregation Database.;Multiple lines of computational evidence support a deleterious effect on the gene or gene product.

Literature cited by the submitters: PubMed 34387626 (cited by Women's Health and Genetics/Laboratory Corporation of America, LabCorp); PubMed 37307703 (cited by Women's Health and Genetics/Laboratory Corporation of America, LabCorp); PubMed 40598400 (cited by Women's Health and Genetics/Laboratory Corporation of America, LabCorp).

NM_000130.5(F5):c.4949C>T (p.Ala1650Val)

Gene: F5 (coagulation factor V; minus strand). Cytogenetic location: 1q24.2.
Variant type: single nucleotide variant.
Coding change: c.4949C>T on transcript NM_000130.5 (MANE Select); coding-DNA position 4949, C replaced by T.
Protein change: p.Ala1650Val; replaces alanine 1650 with valine.
Molecular consequence: missense variant.
Genome position (GRCh38, 1-based): chr1:169,536,528, G>A on the plus strand (C>T on the coding strand, the complement: F5 is on the minus strand). VCF-style: chr1-169536528-G-A. GRCh37 (hg19) VCF-style: chr1-169505766-G-A.
Other names: short protein forms A1650V.
Identifiers: ClinVar variation 4847350 (VCV004847350.3), dbSNP rs753691316.